The following is an entry in ClinVar:

NM_005956.4(MTHFD1):c.2392C>A (p.Leu798Met)

Genes: MTHFD1 (methylenetetrahydrofolate dehydrogenase, cyclohydrolase and formyltetrahydrofolate synthetase 1; plus strand), ZBTB25 (zinc finger and BTB domain containing 25; minus strand). Cytogenetic location: 14q23.3.
Variant type: single nucleotide variant.
Coding change: c.2392C>A on transcript NM_005956.4 (MANE Select); coding-DNA position 2392, C replaced by A.
Protein change: p.Leu798Met; replaces leucine 798 with methionine.
Molecular consequence: missense variant.
Genome position (GRCh38, 1-based): chr14:64,449,557, C>A. VCF-style: chr14-64449557-C-A. GRCh37 (hg19) VCF-style: chr14-64916275-C-A.
Other names: c.2392C>A, p.Leu798Met (NM_001364837.1); c.255G>T, p.Gln85His (NM_001304508.1); short protein forms L798M, Q85H.
Identifiers: ClinVar variation 2052329 (VCV002052329.4), dbSNP rs200744141, ClinGen allele CA261853802.

ClinVar aggregate classification (germline): Uncertain significance (1 of 4 stars; one submission).

Submission:

Labcorp Genetics (formerly Invitae), Labcorp
Classification: Uncertain significance. Last evaluated: 2024-12-16. Review status: criteria provided, single submitter. Criteria: Invitae Variant Classification Sherloc (09022015). Collection method: clinical testing. Allele origin: germline.
Comment: This sequence change replaces leucine, which is neutral and non-polar, with methionine, which is neutral and non-polar, at codon 798 of the MTHFD1 protein (p.Leu798Met). This variant is not present in population databases (gnomAD no frequency). This variant has not been reported in the literature in individuals affected with MTHFD1-related conditions. ClinVar contains an entry for this variant (Variation ID: 2052329). Invitae Evidence Modeling of protein sequence and biophysical properties (such as structural, functional, and spatial information, amino acid conservation, physicochemical variation, residue mobility, and thermodynamic stability) indicates that this missense variant is expected to disrupt MTHFD1 protein function with a positive predictive value of 80%. In summary, the available evidence is currently insufficient to determine the role of this variant in disease. Therefore, it has been classified as a Variant of Uncertain Significance.